The following is an entry in ClinVar:

ClinVar aggregate classification (germline): Benign (1 of 4 stars; one submission).

Conditions:
Leigh syndrome (NULS). Also called: Leigh's necrotizing encephalopathy; Leigh's disease; Leigh Syndrome (mtDNA deletion); Leigh Disease; Subacute necrotizing encephalopathy; Necrotizing encephalopathy infantile subacute of Leigh. Identifiers: Orphanet 506, MedGen C2931891, MONDO:0009723, OMIM 256000.

Submission:

Wong Mito Lab, Molecular and Human Genetics, Baylor College of Medicine
Classification: Benign for Leigh syndrome. Last evaluated: 2019-10-17. Review status: criteria provided, single submitter. Criteria: Modified ACMG Guidelines (Unpublished). Collection method: clinical testing. Allele origin: germline.
Comment: The NC_012920.1:m.10907T>C (YP_003024035.1:p.Phe50Leu) variant in MTND4 gene is interpretated to be a Benign variant based on the modified ACMG guidelines (unpublished). This variant meets the following evidence codes: BS1, BS2, BP4

NC_012920.1(MT-ND4):m.10907T>C

Gene: MT-ND4 (mitochondrially encoded NADH dehydrogenase 4; plus strand).
Variant type: single nucleotide variant.
Genome position: chrM-10907-T-C.
Identifiers: ClinVar variation 693324 (VCV000693324.1), dbSNP rs879094052, ClinGen allele CA337099041.
Genomic context (GRCh38, chrMT:10,907, plus strand): 5'-CACAGCCTAATTATTAGCATCATCCCTCTACTATTTTTTAACCAAATCAACAACAACCTA[T>C]TTAGCTGTTCCCCAACCTTTTCCTCCGACCCCCTAACAACCCCCCTCCTAATACTAACTA-3'